The following is an entry in ClinVar:

NM_001145358.2(SIN3A):c.367-2A>C

Gene: SIN3A (SIN3 transcription regulator family member A; minus strand). Cytogenetic location: 15q24.2.
Variant type: single nucleotide variant.
Coding change: c.367-2A>C on transcript NM_001145358.2 (MANE Select); the canonical splice acceptor site of the intron before coding-DNA position 367, A replaced by C.
Molecular consequence: splice acceptor variant.
Genome position (GRCh38, 1-based): chr15:75,414,313, T>G on the plus strand (A>C on the coding strand, the complement: SIN3A is on the minus strand). VCF-style: chr15-75414313-T-G. GRCh37 (hg19) VCF-style: chr15-75706654-T-G.
Other names: c.367-2A>C (NM_001145357.2, NM_015477.3).
Identifiers: ClinVar variation 2743668 (VCV002743668.3), dbSNP rs2542708046, ClinGen allele CA393454128.

ClinVar aggregate classification (germline): Likely pathogenic (1 of 4 stars; one submission).

Submission:

Labcorp Genetics (formerly Invitae), Labcorp
Classification: Likely pathogenic. Last evaluated: 2023-07-16. Review status: criteria provided, single submitter. Criteria: Invitae Variant Classification Sherloc (09022015). Collection method: clinical testing. Allele origin: germline.
Comment: Algorithms developed to predict the effect of sequence changes on RNA splicing suggest that this variant may disrupt the consensus splice site. This variant has not been reported in the literature in individuals affected with SIN3A-related conditions. This variant is not present in population databases (gnomAD no frequency). This sequence change affects an acceptor splice site in intron 3 of the SIN3A gene. It is expected to disrupt RNA splicing. Variants that disrupt the donor or acceptor splice site typically lead to a loss of protein function (PMID: 16199547), and loss-of-function variants in SIN3A are known to be pathogenic (PMID: 27399968). In summary, the currently available evidence indicates that the variant is pathogenic, but additional data are needed to prove that conclusively. Therefore, this variant has been classified as Likely Pathogenic.

Literature cited by the submitters: PubMed 16199547; PubMed 27399968.